The following is an entry in ClinVar:

ClinVar aggregate classification (germline): Conflicting classifications of pathogenicity. Review status: criteria provided, conflicting classifications (1 of 4 stars). 4 submissions from 4 submitters: Likely pathogenic (1); Uncertain significance (3). Last evaluated 2022-10-26.

Conditions:
Inborn genetic diseases. Identifiers: MedGen C0950123, MeSH D030342.
MFRP-related disorder. Also called: MFRP-related disorders; MFRP-related condition.
Isolated microphthalmia 5. Also called: Posterior Microphthalmia with Retinitis Pigmentosa, Foveoschisis, and Optic Disc Drusen. Identifiers: Orphanet 251279, MedGen C1970236, MONDO:0012605, OMIM 611040.

Allele frequency attached by ClinVar (database versions not stated): TOPMed 0.00009.
gnomAD v4.1: 160 of 1,613,908 alleles (0.0099%); highest among the groups gnomAD compares: Non-Finnish European, 0.013%; no homozygotes.

Submissions (4):

Ambry Genetics
Classification: Uncertain significance for Inborn genetic diseases. Last evaluated: 2022-10-26. Review status: criteria provided, single submitter. Criteria: Ambry Variant Classification Scheme 2023. Collection method: clinical testing. Allele origin: germline.

Labcorp Genetics (formerly Invitae), Labcorp
Classification: Uncertain significance for Isolated microphthalmia 5. Last evaluated: 2022-10-24. Review status: criteria provided, single submitter. Criteria: Invitae Variant Classification Sherloc (09022015). Collection method: clinical testing. Allele origin: germline.
Comment: In summary, the available evidence is currently insufficient to determine the role of this variant in disease. Therefore, it has been classified as a Variant of Uncertain Significance. Advanced modeling of protein sequence and biophysical properties (such as structural, functional, and spatial information, amino acid conservation, physicochemical variation, residue mobility, and thermodynamic stability) performed at Invitae indicates that this missense variant is expected to disrupt MFRP protein function. ClinVar contains an entry for this variant (Variation ID: 597887). This variant has not been reported in the literature in individuals affected with MFRP-related conditions. This variant is present in population databases (rs201553042, gnomAD 0.005%). This sequence change replaces proline, which is neutral and non-polar, with serine, which is neutral and polar, at codon 165 of the MFRP protein (p.Pro165Ser).

Blueprint Genetics
Classification: Likely pathogenic for MFRP-related disorders. Last evaluated: 2022-09-14. Review status: criteria provided, single submitter. Criteria: ACMG Guidelines, 2015. Collection method: clinical testing. Allele origin: germline. Affected: yes. Observed: 5 variant alleles.

Eurofins Ntd Llc (ga)
Classification: Uncertain significance. Last evaluated: 2018-07-09. Review status: criteria provided, single submitter. Criteria: EGL ClinVar v180209 classification definitions. Collection method: clinical testing. Allele origin: germline. Observed: 1 variant allele, 1 heterozygote.

NM_031433.4(MFRP):c.493C>T (p.Pro165Ser)

Genes: C1QTNF5 (C1q and TNF related 5; minus strand), MFRP (membrane frizzled-related protein; minus strand). Cytogenetic location: 11q23.3.
Variant type: single nucleotide variant.
Coding change: c.493C>T on transcript NM_031433.4 (MANE Select); coding-DNA position 493, C replaced by T.
Protein change: p.Pro165Ser; replaces proline 165 with serine.
Molecular consequence: missense variant. On other transcripts: 5 prime UTR variant (1).
Genome position (GRCh38, 1-based): chr11:119,345,568, G>A on the plus strand (C>T on the coding strand, the complement: MFRP is on the minus strand). VCF-style: chr11-119345568-G-A. GRCh37 (hg19) VCF-style: chr11-119216278-G-A.
Other names: c.-2144C>T (NM_015645.5); short protein forms P165S.
Identifiers: ClinVar variation 597887 (VCV000597887.15), dbSNP rs201553042, ClinGen allele CA6320533.